The following is an entry in ClinVar:

NM_014915.3(ANKRD26):c.111G>T (p.Gln37His)

Genes: ANKRD26 (ankyrin repeat domain containing 26; minus strand), LOC130003554 (ATAC-STARR-seq lymphoblastoid silent region 2243; plus strand). Cytogenetic location: 10p12.1.
Variant type: single nucleotide variant.
Coding change: c.111G>T on transcript NM_014915.3 (MANE Select); coding-DNA position 111, G replaced by T.
Protein change: p.Gln37His; replaces glutamine 37 with histidine.
Molecular consequence: missense variant.
Genome position (GRCh38, 1-based): chr10:27,100,216, C>A on the plus strand (G>T on the coding strand, the complement: ANKRD26 is on the minus strand). VCF-style: chr10-27100216-C-A. GRCh37 (hg19) VCF-style: chr10-27389145-C-A.
Other names: c.111G>T, p.Gln37His (NM_001256053.2); short protein forms Q37H.
Identifiers: ClinVar variation 3397219 (VCV003397219.1).

ClinVar aggregate classification (germline): Uncertain significance (1 of 4 stars; one submission).

Conditions:
Inborn genetic diseases. Identifiers: MedGen C0950123, MeSH D030342.

gnomAD v4.1: 2 of 1,613,242 alleles (0.00012%); highest among the groups gnomAD compares: East Asian, 0.0045%; no homozygotes.

Submission:

Ambry Genetics
Classification: Uncertain significance for Inborn genetic diseases. Last evaluated: 2024-12-06. Review status: criteria provided, single submitter. Criteria: Ambry Variant Classification Scheme 2023. Collection method: clinical testing. Allele origin: germline.
Comment: The p.Q37H variant (also known as c.111G>T), located in coding exon 1 of the ANKRD26 gene, results from a G to T substitution at nucleotide position 111. The glutamine at codon 37 is replaced by histidine, an amino acid with highly similar properties. This amino acid position is conserved. In addition, this alteration is predicted to be tolerated by in silico analysis. Based on the available evidence, the clinical significance of this variant remains unclear.